The following is an entry in ClinVar:

NM_019032.6(ADAMTSL4):c.*295G>C

Gene: ADAMTSL4 (ADAMTS like 4; plus strand). Cytogenetic location: 1q21.2.
Variant type: single nucleotide variant.
Coding change: c.*295G>C on transcript NM_019032.6 (MANE Select); 295 bases downstream of the stop codon, G replaced by C.
Molecular consequence: 3 prime UTR variant.
Genome position (GRCh38, 1-based): chr1:150,560,491, G>C. VCF-style: chr1-150560491-G-C. GRCh37 (hg19) VCF-style: chr1-150532967-G-C.
Other names: c.*295G>C (NM_001288607.2, NM_001288608.2, NM_001378596.1).
Identifiers: ClinVar variation 292571 (VCV000292571.6), dbSNP rs114181942, ClinGen allele CA10608158.
Genomic context (GRCh38, chr1:150,560,491, plus strand): 5'-GGATATGTGTGTGCTCAAACGTGTATCACTTTTCAAAAAGAGGTTACACAGACTGAGAAG[G>C]ACAAGACCTGTTTCCTTGAGACTTTCCTAGGTGGAAAGGAAAGCAAGTCTGCAGTTCCTT-3'

ClinVar aggregate classification (germline): Likely benign. Review status: criteria provided, multiple submitters, no conflicts (2 of 4 stars). 2 submissions from 2 submitters: Likely benign (2). Last evaluated 2018-01-12.

Conditions:
Ectopia lentis 2, isolated, autosomal recessive (ECTOL2). Identifiers: Orphanet 1885, MedGen C3541474, MONDO:0009152, OMIM 225100.

Allele frequency attached by ClinVar (database versions not stated): gnomAD exomes 0.00089; gnomAD 0.00304 and 0.00319; 1000 Genomes Project 0.00359; TOPMed 0.00404; 1000 Genomes Project 30x 0.00437.
gnomAD v4.1: 801 of 477,194 alleles (0.17%); highest among the groups gnomAD compares: Middle Eastern, 0.87%; 7 homozygotes.

Submissions (2):

Illumina Laboratory Services, Illumina
Classification: Likely benign for Ectopia lentis 2, isolated, autosomal recessive. Last evaluated: 2018-01-12. Review status: criteria provided, single submitter. Criteria: ICSL Variant Classification Criteria 13 December 2019. Collection method: clinical testing. Allele origin: germline.
Comment: This variant was observed in the ICSL laboratory as part of a predisposition screen in an ostensibly healthy population. It had not been previously curated by ICSL or reported in the Human Gene Mutation Database (HGMD: prior to June 1st, 2018), and was therefore a candidate for classification through an automated scoring system. Utilizing variant allele frequency, disease prevalence and penetrance estimates, and inheritance mode, an automated score was calculated to assess if this variant is too frequent to cause the disease. Based on the score and internal cut-off values, a variant classified as likely benign is not then subjected to further curation. The score for this variant resulted in a classification of likely benign for this disease.

Breakthrough Genomics
Classification: Likely benign. Review status: criteria provided, single submitter. Criteria: ACMG Guidelines, 2015. Collection method: not provided. Allele origin: germline. Inheritance: Autosomal recessive inheritance. Affected: yes.